The following is an entry in ClinVar:

ClinVar aggregate classification (germline): Uncertain significance (1 of 4 stars; one submission).

Conditions:
MOGS-congenital disorder of glycosylation. Also called: MOGS-CDG; CDG IIb; GLUCOSIDASE I DEFICIENCY; CDG 2B. Identifiers: Orphanet 79330, MedGen C1853736, MONDO:0011629, OMIM 606056.

Allele frequency attached by ClinVar (database versions not stated): gnomAD exomes below 0.00001; TOPMed below 0.00001; ExAC 0.00001.

Submission:

Labcorp Genetics (formerly Invitae), Labcorp
Classification: Uncertain significance for MOGS-congenital disorder of glycosylation. Last evaluated: 2025-11-24. Review status: criteria provided, single submitter. Criteria: Invitae Variant Classification Sherloc (09022015). Collection method: clinical testing. Allele origin: germline.
Comment: This sequence change replaces proline, which is neutral and non-polar, with leucine, which is neutral and non-polar, at codon 201 of the MOGS protein (p.Pro201Leu). This variant is present in population databases (rs751623113, gnomAD 0.009%). This variant has not been reported in the literature in individuals affected with MOGS-related conditions. ClinVar contains an entry for this variant (Variation ID: 2128040). Invitae Evidence Modeling of protein sequence and biophysical properties (such as structural, functional, and spatial information, amino acid conservation, physicochemical variation, residue mobility, and thermodynamic stability) indicates that this missense variant is not expected to disrupt MOGS protein function with a negative predictive value of 80%. In summary, the available evidence is currently insufficient to determine the role of this variant in disease. Therefore, it has been classified as a Variant of Uncertain Significance.

NM_006302.3(MOGS):c.602C>T (p.Pro201Leu)

Gene: MOGS (mannosyl-oligosaccharide glucosidase; minus strand). Cytogenetic location: 2p13.1.
Variant type: single nucleotide variant.
Coding change: c.602C>T on transcript NM_006302.3 (MANE Select); coding-DNA position 602, C replaced by T.
Protein change: p.Pro201Leu; replaces proline 201 with leucine.
Molecular consequence: missense variant.
Genome position (GRCh38, 1-based): chr2:74,463,364, G>A on the plus strand (C>T on the coding strand, the complement: MOGS is on the minus strand). VCF-style: chr2-74463364-G-A. GRCh37 (hg19) VCF-style: chr2-74690491-G-A.
Other names: c.284C>T, p.Pro95Leu (NM_001146158.2); short protein forms P201L, P95L.
Identifiers: ClinVar variation 2128040 (VCV002128040.4), dbSNP rs751623113, ClinGen allele CA1724969.